The following is an entry in ClinVar:

ClinVar aggregate classification (germline): Uncertain significance (1 of 4 stars; one submission).

Conditions:
Tuberous sclerosis 2 (TSC2). Identifiers: Orphanet 805, MedGen C1860707, MONDO:0013199, OMIM 613254.

Submission:

Labcorp Genetics (formerly Invitae), Labcorp
Classification: Uncertain significance for Tuberous sclerosis 2. Last evaluated: 2020-09-30. Review status: criteria provided, single submitter. Criteria: Invitae Variant Classification Sherloc (09022015). Collection method: clinical testing. Allele origin: germline.
Comment: This variant results in a copy number gain of the genomic region encompassing the full coding sequence of the TSC2 gene. The boundaries of this event are unknown as they extend beyond the assayed region for this gene and therefore may encompass additional genes. As the precise location of this event is unknown, it may be in tandem or it may be located elsewhere in the genome. This variant has been observed in an individual affected with tuberous sclerosis complex (PMID: 29432982). In summary, the available evidence is currently insufficient to determine the role of this variant in disease. Therefore, it has been classified as a Variant of Uncertain Significance.

Literature cited by the submitters: PubMed 29432982.

NC_000016.10:g.(?_2039924)_(2093096_?)dup

Genes: MIR1225 (microRNA 1225; minus strand), NTHL1 (nth like DNA glycosylase 1; minus strand), PKD1 (polycystin 1, transient receptor potential channel interacting; minus strand), TSC2 (TSC complex subunit 2; plus strand). Cytogenetic location: 16p13.3.
Variant type: Duplication.
Identifiers: ClinVar variation 1019529 (VCV001019529.2).